The following is an entry in ClinVar:

ClinVar aggregate classification (germline): Pathogenic (1 of 4 stars; one submission).

Conditions:
Ectodermal dysplasia 10A, hypohidrotic/hair/nail type, autosomal dominant (ECTD10A). Also called: Ectodermal Dysplasia 3, Anhidrotic. Identifiers: Orphanet 1810, Orphanet 238468, MedGen C3888065, MONDO:0007509, OMIM 129490.
Autosomal recessive hypohidrotic ectodermal dysplasia syndrome. Also called: Autosomal recessive hypohidrotic ectodermal dysplasia. Identifiers: Orphanet 248, MedGen C0406702, MONDO:0016619.

Submission:

Labcorp Genetics (formerly Invitae), Labcorp
Classification: Pathogenic for Ectodermal dysplasia 10A, hypohidrotic/hair/nail type, autosomal dominant; Autosomal recessive hypohidrotic ectodermal dysplasia syndrome. Last evaluated: 2023-08-17. Review status: criteria provided, single submitter. Criteria: Invitae Variant Classification Sherloc (09022015). Collection method: clinical testing. Allele origin: unknown.
Comment: For these reasons, this variant has been classified as Pathogenic. This variant disrupts a region of the EDAR protein in which other variant(s) (p.Trp434*) have been determined to be pathogenic (PMID: 32325225). This suggests that this is a clinically significant region of the protein, and that variants that disrupt it are likely to be disease-causing. This variant has not been reported in the literature in individuals affected with EDAR-related conditions. This variant is a gross deletion of the genomic region encompassing exon(s) 10-12 of the EDAR gene, which includes the termination codon. This deletion extends beyond the assayed region for this gene and therefore may encompass additional genes. While this deletion is not anticipated to lead to nonsense mediated decay, it is expected to alter mRNA translation or result in a truncated protein product.

Literature cited by the submitters: PubMed 32325225.

NC_000002.11:g.(?_109513363)_(109524495_?)del

Gene: EDAR (ectodysplasin A receptor; minus strand). Cytogenetic location: 2q12.3.
Variant type: Deletion.
Identifiers: ClinVar variation 3247228 (VCV003247228.1).